The following is an entry in ClinVar:

NM_001613.4(ACTA2):c.*5C>T

Genes: ACTA2-AS1 (ACTA2 antisense RNA 1; plus strand), ACTA2 (actin alpha 2, smooth muscle; minus strand). Cytogenetic location: 10q23.31.
Variant type: single nucleotide variant.
Coding change: c.*5C>T on transcript NM_001613.4 (MANE Select); 5 bases downstream of the stop codon, C replaced by T.
Molecular consequence: 3 prime UTR variant. On other transcripts: non-coding transcript variant (1).
Genome position (GRCh38, 1-based): chr10:88,935,218, G>A on the plus strand (C>T on the coding strand, the complement: ACTA2 is on the minus strand). VCF-style: chr10-88935218-G-A. GRCh37 (hg19) VCF-style: chr10-90694975-G-A.
Other names: c.*5C>T (NM_001141945.3, NM_001320855.2, NM_001406462.1 and 7 more transcripts).
Identifiers: ClinVar variation 1171051 (VCV001171051.4), dbSNP rs2133237611, ClinGen allele CA470729018.
Genomic context (GRCh38, chr10:88,935,218, plus strand): 5'-GAAGGCATAATTCCACAGGACATTCACAGTTGTGTGCTAGAGACAGAGAGGAGCAGGAAA[G>A]TGTTTTAGAAGCATTTGCGGTGGACAATGGAAGGCCCGGCTTCATCGTATTCCTGTTTGC-3'

ClinVar aggregate classification (germline): Uncertain significance (1 of 4 stars; one submission).

Conditions:
Familial thoracic aortic aneurysm and aortic dissection (TAAD). Also called: Thoracic aortic aneurysms and dissections. Identifiers: Orphanet 91387, MedGen C4707243, MONDO:0019625.

Allele frequency attached by ClinVar (database versions not stated): gnomAD exomes below 0.00001.
gnomAD v4.1: 1 of 1,612,828 alleles (0.000062%); highest among the groups gnomAD compares: South Asian, 0.0011%; no homozygotes.

Submission:

Color Diagnostics, LLC DBA Color Health
Classification: Uncertain significance for Familial thoracic aortic aneurysm and aortic dissection. Last evaluated: 2020-07-13. Review status: criteria provided, single submitter. Criteria: ACMG Guidelines, 2015. Collection method: clinical testing. Allele origin: germline.
Comment: This variant changes 1 nucleotide in the 3' untranslated region of the ACTA2 gene. To our knowledge, functional studies have not been reported for this variant. This variant has not been reported in individuals affected with cardiovascular disorders in the literature. This variant has not been identified in the general population by the Genome Aggregation Database (gnomAD). The available evidence is insufficient to determine the role of this variant in disease conclusively. Therefore, this variant is classified as a Variant of Uncertain Significance.